The following is an entry in ClinVar:

ClinVar aggregate classification (germline): Conflicting classifications of pathogenicity. Review status: criteria provided, conflicting classifications (1 of 4 stars). 3 submissions from 3 submitters: Uncertain significance (1); Benign (1); Likely benign (1). Last evaluated 2024-11-12.

Conditions:
Ataxia-telangiectasia syndrome (AT). Also called: LOUIS-BAR SYNDROME; Cerebello-oculocutaneous telangiectasia; Immunodeficiency with ataxia telangiectasia; Ataxia telangiectasia (A-T); Ataxia-telangiectasia, complementation group D; AT, COMPLEMENTATION GROUP C. Identifiers: Orphanet 100, MedGen C0004135, MONDO:0008840, OMIM 208900.
Familial cancer of breast. Also called: BREAST CANCER, FAMILIAL; Hereditary breast cancer; hereditary breast carcinoma. Identifiers: Orphanet 227535, MedGen C0346153, MONDO:0016419, OMIM 114480. Disease mechanism: loss of function.
Hereditary cancer-predisposing syndrome. Also called: Tumor predisposition; Neoplastic Syndromes, Hereditary; Hereditary Cancer Syndrome; Hereditary neoplastic syndrome. Identifiers: Orphanet 140162, MedGen C0027672, MeSH D009386, MONDO:0015356.

Submissions (3):

Labcorp Genetics (formerly Invitae), Labcorp
Classification: Likely benign for Ataxia-telangiectasia syndrome. Last evaluated: 2024-11-12. Review status: criteria provided, single submitter. Criteria: Invitae Variant Classification Sherloc (09022015). Collection method: clinical testing. Allele origin: germline.

Myriad Genetics, Inc.
Classification: Benign for Familial cancer of breast. Last evaluated: 2024-06-06. Review status: criteria provided, single submitter. Criteria: Myriad Autosomal Dominant, Autosomal Recessive and X-Linked Classification Criteria (2023). Collection method: clinical testing. Allele origin: unknown.
Comment: This variant is considered benign. This variant is a silent/synonymous amino acid change and it is not expected to impact splicing.

Color Diagnostics, LLC DBA Color Health
Classification: Uncertain significance for Hereditary cancer-predisposing syndrome. Last evaluated: 2023-06-20. Review status: criteria provided, single submitter. Criteria: ACMG Guidelines, 2015. Collection method: clinical testing. Allele origin: germline.
Comment: This variant is located in the ATM protein. To our knowledge, functional studies have not been reported for this variant. This variant has not been reported in individuals affected with ATM-related disorders in the literature. This variant has not been identified in the general population by the Genome Aggregation Database (gnomAD). The available evidence is insufficient to determine the role of this variant in disease conclusively. Therefore, this variant is classified as a Variant of Uncertain Significance.

NM_000051.4(ATM):c.6519T>C (p.Leu2173=)

Genes: ATM (ATM serine/threonine kinase; plus strand), C11orf65 (chromosome 11 open reading frame 65; minus strand). Cytogenetic location: 11q22.3.
Variant type: single nucleotide variant.
Coding change: c.6519T>C on transcript NM_000051.4 (MANE Select); coding-DNA position 6519, T replaced by C.
Protein change: p.Leu2173=; no amino-acid change (leucine 2173 retained).
Molecular consequence: synonymous variant. On other transcripts: intron variant (2).
Genome position (GRCh38, 1-based): chr11:108,321,367, T>C. VCF-style: chr11-108321367-T-C. GRCh37 (hg19) VCF-style: chr11-108192094-T-C.
Other names: c.6519T>C, p.Leu2173= (NM_001351834.2); c.641-12296A>G (NM_001330368.2); c.*39-12296A>G (NM_001351110.2).
Identifiers: ClinVar variation 2774699 (VCV002774699.4), dbSNP rs2136240892, ClinGen allele CA476676197.